The following is an entry in ClinVar:

ClinVar aggregate classification (germline): Uncertain significance (1 of 4 stars; one submission).

Conditions:
Exostoses, multiple, type 2 (EXT2). Also called: Hereditary Multiple Osteochondromatosis, Type II; EXOSTOSES, MULTIPLE, TYPE II. Identifiers: Orphanet 321, MedGen C1851413, MONDO:0007586, OMIM 133701.

Allele frequency attached by ClinVar (database versions not stated): TOPMed 0.00002; gnomAD 0.00003.

Submission:

Labcorp Genetics (formerly Invitae), Labcorp
Classification: Uncertain significance for Exostoses, multiple, type 2. Last evaluated: 2025-04-19. Review status: criteria provided, single submitter. Criteria: Invitae Variant Classification Sherloc (09022015). Collection method: clinical testing. Allele origin: germline.
Comment: This sequence change replaces arginine, which is basic and polar, with cysteine, which is neutral and slightly polar, at codon 166 of the EXT2 protein (p.Arg166Cys). This variant is present in population databases (no rsID available, gnomAD 0.004%). This missense change has been observed in individual(s) with multiple exostoses (PMID: 23262345). ClinVar contains an entry for this variant (Variation ID: 2848220). Invitae Evidence Modeling of protein sequence and biophysical properties (such as structural, functional, and spatial information, amino acid conservation, physicochemical variation, residue mobility, and thermodynamic stability) has been performed for this missense variant. However, the output from this modeling did not meet the statistical confidence thresholds required to predict the impact of this variant on EXT2 protein function. In summary, the available evidence is currently insufficient to determine the role of this variant in disease. Therefore, it has been classified as a Variant of Uncertain Significance.

Literature cited by the submitters: PubMed 23262345.

NM_207122.2(EXT2):c.496C>T (p.Arg166Cys)

Gene: EXT2 (exostosin glycosyltransferase 2; plus strand). Cytogenetic location: 11p11.2.
Variant type: single nucleotide variant.
Coding change: c.496C>T on transcript NM_207122.2 (MANE Select); coding-DNA position 496, C replaced by T.
Protein change: p.Arg166Cys; replaces arginine 166 with cysteine.
Molecular consequence: missense variant.
Genome position (GRCh38, 1-based): chr11:44,108,208, C>T. VCF-style: chr11-44108208-C-T. GRCh37 (hg19) VCF-style: chr11-44129758-C-T.
Other names: c.595C>T, p.Arg199Cys (NM_000401.3); c.496C>T, p.Arg166Cys (NM_001178083.3, NM_001389628.1, NM_001389630.1); short protein forms R199C, R166C.
Identifiers: ClinVar variation 2848220 (VCV002848220.3), dbSNP rs1000640190, ClinGen allele CA221453326.